The following is an entry in ClinVar:

ClinVar aggregate classification (germline): not provided (0 of 4 stars; one submission).

Allele frequency attached by ClinVar (database versions not stated): gnomAD exomes 0.00070 and 0.00031; 1000 Genomes Project 30x 0.00141; gnomAD 0.00017 and 0.00005; 1000 Genomes Project 0.00140; ExAC 0.00081; TOPMed 0.00007.
gnomAD v4.1: 490 of 1,607,052 alleles (0.03%); highest among the groups gnomAD compares: South Asian, 0.46%; 2 homozygotes.

Submission:

ITMI
No classification provided. Condition: AllHighlyPenetrant. Last evaluated: 2013-09-19. Review status: no classification provided. Collection method: reference population. Allele origin: germline.
Comment: Please see associated publication for description of ethnicities

Literature cited by the submitters: PubMed 24728327.

NM_001706.5(BCL6):c.1364C>T (p.Thr455Met)

Genes: BCL6 (BCL6 transcription repressor; minus strand), LOC100131635 (hCG1645011-like; plus strand). Cytogenetic location: 3q27.3.
Variant type: single nucleotide variant.
Coding change: c.1364C>T on transcript NM_001706.5 (MANE Select); coding-DNA position 1364, C replaced by T.
Protein change: p.Thr455Met; replaces threonine 455 with methionine.
Molecular consequence: missense variant.
Genome position (GRCh38, 1-based): chr3:187,728,536, G>A on the plus strand (C>T on the coding strand, the complement: BCL6 is on the minus strand). VCF-style: chr3-187728536-G-A. GRCh37 (hg19) VCF-style: chr3-187446324-G-A.
Other names: c.1364C>T, p.Thr455Met (NM_001130845.2, NM_001134738.2); short protein forms T455M.
Identifiers: ClinVar variation 133674 (VCV000133674.1), dbSNP rs541016998, ClinGen allele CA157277.
Genomic context (GRCh38, chr3:187,728,536, plus strand): 5'-CACTTCGGGGGGTGCATGTAGAGTGGTGAGTGGCTCTCGCTGCTGCTGCGGGGAGAGCCC[G>A]TCATGGACCTATGGACAGGAGTAAAAACAGCCTCAGCACCTGGGGCAGGGCCTCAAGACC-3'
Protein context (NP_001697.2, residues 445-465): RLNNIVNRSM[Thr455Met]GSPRSSSESH